The following is an entry in ClinVar:

NM_000465.4(BARD1):c.583dup (p.Ala195fs)

Gene: BARD1 (BRCA1 associated RING domain 1; minus strand). Cytogenetic location: 2q35.
Variant type: Duplication.
Coding change: c.583dup on transcript NM_000465.4 (MANE Select); coding-DNA position 583, one base duplicated (G; older notation c.583dupG).
Protein change: p.Ala195fs; shifts the reading frame from alanine 195.
Molecular consequence: frameshift variant. On other transcripts: non-coding transcript variant (2), intron variant (3).
Genome position (GRCh38, 1-based): chr2:214,781,291, C duplicated on the plus strand (G on the coding strand, the reverse complement: BARD1 is on the minus strand); the first of 3 consecutive C bases (chr2:214,781,291-214,781,293); duplicating any one gives the same sequence. VCF-style (leftmost placement, unchanged base first): chr2-214781290-G-GC. GRCh37 (hg19) VCF-style: chr2-215646014-G-GC.
Other names: c.526dup, p.Ala176fs (NM_001282543.2); c.158+28121dup (NM_001282548.2); c.215+15770dup (NM_001282545.2); c.364+11006dup (NM_001282549.2); short protein forms A176fs, A195fs.
Identifiers: ClinVar variation 2819603 (VCV002819603.3), dbSNP rs2469511668, ClinGen allele CA2739279717.
Genomic context (GRCh38, chr2:214,781,290, plus strand): 5'-TTGATTTCAGCTAAAGTTTTCTTTTTTTGCTTTTTTCCAGATCTTGCAGAAGCCTTTTTA[G>GC]CCCTCTCAGAAACATCTGCAGGAGGACTTGGGGAAACAAATTCATATGAGTCTTGCTGAG-3'

ClinVar aggregate classification (germline): Pathogenic (1 of 4 stars; one submission).

Conditions:
Familial cancer of breast. Also called: BREAST CANCER, FAMILIAL; hereditary breast carcinoma; Hereditary breast cancer. Identifiers: Orphanet 227535, MedGen C0346153, MONDO:0016419, OMIM 114480. Disease mechanism: loss of function.

Submission:

Labcorp Genetics (formerly Invitae), Labcorp
Classification: Pathogenic for Familial cancer of breast. Last evaluated: 2022-12-17. Review status: criteria provided, single submitter. Criteria: Invitae Variant Classification Sherloc (09022015). Collection method: clinical testing. Allele origin: germline.
Comment: For these reasons, this variant has been classified as Pathogenic. This variant has not been reported in the literature in individuals affected with BARD1-related conditions. This variant is not present in population databases (gnomAD no frequency). This sequence change creates a premature translational stop signal (p.Ala195Glyfs*2) in the BARD1 gene. It is expected to result in an absent or disrupted protein product. Loss-of-function variants in BARD1 are known to be pathogenic (PMID: 20077502, 21344236).

Literature cited by the submitters: PubMed 20077502; PubMed 21344236.